The following is an entry in ClinVar:

NM_022114.4(PRDM16):c.3766G>T (p.Ala1256Ser)

Gene: PRDM16 (PR/SET domain 16; plus strand). Cytogenetic location: 1p36.32.
Variant type: single nucleotide variant.
Coding change: c.3766G>T on transcript NM_022114.4 (MANE Select); coding-DNA position 3766, G replaced by T.
Protein change: p.Ala1256Ser; replaces alanine 1256 with serine.
Molecular consequence: missense variant.
Genome position (GRCh38, 1-based): chr1:3,433,746, G>T. VCF-style: chr1-3433746-G-T. GRCh37 (hg19) VCF-style: chr1-3350310-G-T.
Other names: c.3709G>T, p.Ala1237Ser (NM_199454.3); short protein forms A1237S, A1256S.
Identifiers: ClinVar variation 951073 (VCV000951073.9), dbSNP rs750388478, ClinGen allele CA544981.
Genomic context (GRCh38, chr1:3,433,746, plus strand): 5'-ATGATGCTGTCCCTTTCCGAAGACACTCCTCTCCACACCCCCTCCCAGGGTTCTCTGGAC[G>T]CTTGGTTGAAGGTCACTGGAGCCACGTCGGAGTCTGGAGCATTTCACCCCATCAACCACC-3'
Protein context (NP_071397.3, residues 1246-1266): LHTPSQGSLD[Ala1256Ser]WLKVTGATSE

ClinVar aggregate classification (germline): Uncertain significance (1 of 4 stars; one submission).

Conditions:
Left ventricular noncompaction 8 (LVNC8). Identifiers: Orphanet 154, Orphanet 54260, MedGen C3809288, MONDO:0014152, OMIM 615373.

gnomAD v4.1: 3 of 1,613,948 alleles (0.00019%); highest among the groups gnomAD compares: Non-Finnish European, 0.00017%; no homozygotes.

Submission:

Labcorp Genetics (formerly Invitae), Labcorp
Classification: Uncertain significance for Left ventricular noncompaction 8. Last evaluated: 2025-03-19. Review status: criteria provided, single submitter. Criteria: Invitae Variant Classification Sherloc (09022015). Collection method: clinical testing. Allele origin: germline.
Comment: This sequence change replaces alanine, which is neutral and non-polar, with serine, which is neutral and polar, at codon 1256 of the PRDM16 protein (p.Ala1256Ser). This variant is present in population databases (rs750388478, gnomAD 0.0009%). This variant has not been reported in the literature in individuals affected with PRDM16-related conditions. ClinVar contains an entry for this variant (Variation ID: 951073). An algorithm developed to predict the effect of missense changes on protein structure and function (PolyPhen-2) suggests that this variant is likely to be disruptive. In summary, the available evidence is currently insufficient to determine the role of this variant in disease. Therefore, it has been classified as a Variant of Uncertain Significance.